The following is an entry in ClinVar:

ClinVar aggregate classification (germline): Benign/Likely benign. Review status: criteria provided, multiple submitters, no conflicts (2 of 4 stars). 6 submissions from 6 submitters: Benign (5); Likely benign (1). Last evaluated 2026-02-04.

Conditions:
MOGS-congenital disorder of glycosylation. Also called: CDG 2B; CDG IIb; MOGS-CDG; GLUCOSIDASE I DEFICIENCY. Identifiers: Orphanet 79330, MedGen C1853736, MONDO:0011629, OMIM 606056.

Allele frequency attached by ClinVar (database versions not stated): TOPMed 0.39156; gnomAD exomes 0.19031 and 0.26984; ExAC 0.27923; ESP Exome Variant Server 0.33369; gnomAD 0.35940 and 0.35953; 1000 Genomes Project 30x 0.53841; 1000 Genomes Project 0.53874.
gnomAD v4.1: 335,672 of 1,614,050 alleles (21%); highest among the groups gnomAD compares: East Asian, 83%; 60,296 homozygotes.

Submissions (6):

Labcorp Genetics (formerly Invitae), Labcorp
Classification: Benign for MOGS-congenital disorder of glycosylation. Last evaluated: 2026-02-04. Review status: criteria provided, single submitter. Criteria: Invitae Variant Classification Sherloc (09022015). Collection method: clinical testing. Allele origin: germline.

Women's Health and Genetics/Laboratory Corporation of America, LabCorp
Classification: Likely benign. Last evaluated: 2026-01-21. Review status: criteria provided, single submitter. Criteria: LabCorp Variant Classification Summary - May 2015. Collection method: clinical testing. Allele origin: germline.

Mayo Clinic Laboratories, Mayo Clinic
Classification: Benign. Last evaluated: 2022-09-06. Review status: criteria provided, single submitter. Criteria: ACMG Guidelines, 2015. Collection method: clinical testing. Allele origin: germline. Observed: 38 variant alleles.

GeneDx
Classification: Benign. Last evaluated: 2015-12-02. Review status: criteria provided, single submitter. Criteria: GeneDx Variant Classification (06012015). Collection method: clinical testing. Allele origin: germline. Affected: yes.
Comment: This variant is considered likely benign or benign based on one or more of the following criteria: it is a conservative change, it occurs at a poorly conserved position in the protein, it is predicted to be benign by multiple in silico algorithms, and/or has population frequency not consistent with disease.

Eurofins Ntd Llc (ga)
Classification: Benign. Last evaluated: 2012-07-26. Review status: criteria provided, single submitter. Criteria: EGL Classification Definitions 2015. Collection method: clinical testing. Allele origin: germline. Observed: 21 variant alleles, 16 heterozygotes, 5 homozygotes.

Breakthrough Genomics
Classification: Benign. Review status: criteria provided, single submitter. Criteria: ACMG Guidelines, 2015. Collection method: not provided. Allele origin: germline. Inheritance: Autosomal recessive inheritance. Affected: yes.

NM_006302.3(MOGS):c.877C>T (p.Pro293Ser)

Gene: MOGS (mannosyl-oligosaccharide glucosidase; minus strand). Cytogenetic location: 2p13.1.
Variant type: single nucleotide variant.
Coding change: c.877C>T on transcript NM_006302.3 (MANE Select); coding-DNA position 877, C replaced by T.
Protein change: p.Pro293Ser; replaces proline 293 with serine.
Molecular consequence: missense variant.
Genome position (GRCh38, 1-based): chr2:74,462,912, G>A on the plus strand (C>T on the coding strand, the complement: MOGS is on the minus strand). VCF-style: chr2-74462912-G-A. GRCh37 (hg19) VCF-style: chr2-74690039-G-A.
Other names: c.559C>T, p.Pro187Ser (NM_001146158.2); c.877C>T, p.Pro293Ser (LRG_1226t1); short protein forms P293S, P187S.
Identifiers: ClinVar variation 95363 (VCV000095363.16), dbSNP rs2268416, ClinGen allele CA148477.